The following is an entry in ClinVar:

ClinVar aggregate classification (germline): Uncertain significance (1 of 4 stars; one submission).

Conditions:
Rafiq syndrome (RAFQS). Identifiers: Orphanet 88616, MedGen C3280127, MONDO:0013624, OMIM 614202.

Submission:

Labcorp Genetics (formerly Invitae), Labcorp
Classification: Uncertain significance for Rafiq syndrome. Last evaluated: 2022-02-21. Review status: criteria provided, single submitter. Criteria: Invitae Variant Classification Sherloc (09022015). Collection method: clinical testing. Allele origin: germline.
Comment: Experimental studies and prediction algorithms are not available or were not evaluated, and the functional significance of this variant is currently unknown. In summary, the available evidence is currently insufficient to determine the role of this variant in disease. Therefore, it has been classified as a Variant of Uncertain Significance. This variant has not been reported in the literature in individuals affected with MAN1B1-related conditions. Information on the frequency of this variant in the gnomAD database is not available, as this variant may be reported differently in the database. This sequence change replaces alanine, which is neutral and non-polar, with threonine, which is neutral and polar, at codon 683 of the MAN1B1 protein (p.Ala683Thr).

NM_016219.5(MAN1B1):c.2046_2047inv (p.Ala683Thr)

Gene: MAN1B1 (mannosidase alpha class 1B member 1; plus strand). Cytogenetic location: 9q34.3.
Variant type: Inversion.
Coding change: c.2046_2047inv on transcript NM_016219.5 (MANE Select).
Protein change: p.Ala683Thr; replaces alanine 683 with threonine.
Molecular consequence: missense variant. On other transcripts: synonymous variant (1), non-coding transcript variant (2).
Genome position: GRCh38 VCF-style: chr9-137108537-TG-CA. GRCh37 (hg19) VCF-style: chr9-140002989-TG-CA.
Other names: c.1938_1939invCG, p.Asp646_Ala647= (NM_007230.1); short protein forms A683T.
Identifiers: ClinVar variation 2153987 (VCV002153987.2), ClinGen allele CA2580080959.
Genomic context (GRCh38, chr9:137,108,537, plus strand): 5'-GGAGACGCTCAAGTATCTGTTCTTGCTCTTCTCCGATGACCCAAACCTGCTCAGCCTGGA[TG>CA]CCTACGTGTTCAACACCGAAGCCCACCCTCTGCCTATCTGGACCCCTGCCTAGGGTGGAT-3'
Protein context (NP_057303.2, residues 673-693): SDDPNLLSLD[Ala683Thr]YVFNTEAHPL